The following is an entry in ClinVar:

NM_006929.5(SKIC2):c.22+3G>T

Gene: SKIC2 (SKI2 subunit of superkiller complex; plus strand). Cytogenetic location: 6p21.33.
Variant type: single nucleotide variant.
Coding change: c.22+3G>T on transcript NM_006929.5 (MANE Select); 3 bases into the intron after coding-DNA position 22, G replaced by T.
Molecular consequence: intron variant.
Genome position (GRCh38, 1-based): chr6:31,959,217, G>T. VCF-style: chr6-31959217-G-T. GRCh37 (hg19) VCF-style: chr6-31926994-G-T.
Identifiers: ClinVar variation 2968558 (VCV002968558.3), dbSNP rs2482859584, ClinGen allele CA2578572985.
Genomic context (GRCh38, chr6:31,959,217, plus strand): 5'-ACTTCCGGGCTGCCAGGCAGCTGCTGTGGCTCCAGGATGATGGAGACAGAGCGACTTGGT[G>T]AGGGGGAGGGGAGGGAAATGGAACGGAGTAGCCGATATGGAATGAACTTTGACCCCTGAC-3'

ClinVar aggregate classification (germline): Uncertain significance (1 of 4 stars; one submission).

Submission:

Labcorp Genetics (formerly Invitae), Labcorp
Classification: Uncertain significance. Last evaluated: 2022-10-26. Review status: criteria provided, single submitter. Criteria: Invitae Variant Classification Sherloc (09022015). Collection method: clinical testing. Allele origin: germline.
Comment: In summary, the available evidence is currently insufficient to determine the role of this variant in disease. Therefore, it has been classified as a Variant of Uncertain Significance. Variants that disrupt the consensus splice site are a relatively common cause of aberrant splicing (PMID: 17576681, 9536098). Algorithms developed to predict the effect of sequence changes on RNA splicing suggest that this variant may disrupt the consensus splice site. This variant has not been reported in the literature in individuals affected with SKIV2L-related conditions. This variant is not present in population databases (gnomAD no frequency). This sequence change falls in intron 1 of the SKIV2L gene. It does not directly change the encoded amino acid sequence of the SKIV2L protein. It affects a nucleotide within the consensus splice site.

Literature cited by the submitters: PubMed 17576681; PubMed 9536098.